The following is an entry in ClinVar:

ClinVar aggregate classification (germline): Conflicting classifications of pathogenicity. Review status: criteria provided, conflicting classifications (1 of 4 stars). 2 submissions from 2 submitters: Likely pathogenic (1); Uncertain significance (1). Last evaluated 2025-09-23.

Conditions:
Long QT syndrome (LQTS). Identifiers: MedGen C0023976, MeSH D008133, MONDO:0002442. Disease mechanism: loss of function. Inheritance: Various modes of inheritance.

Submissions (2):

GeneDx
Classification: Uncertain significance. Last evaluated: 2025-09-23. Review status: criteria provided, single submitter. Criteria: GeneDx Variant Classification Process June 2021. Collection method: clinical testing. Allele origin: germline.
Comment: Has not been previously published as pathogenic or benign to our knowledge; Not observed at significant frequency in large population cohorts (gnomAD); In silico analysis supports that this missense variant has a deleterious effect on protein structure/function

Labcorp Genetics (formerly Invitae), Labcorp
Classification: Likely pathogenic for Long QT syndrome. Last evaluated: 2025-05-05. Review status: criteria provided, single submitter. Criteria: Invitae Variant Classification Sherloc (09022015). Collection method: clinical testing. Allele origin: germline.
Comment: This sequence change replaces threonine, which is neutral and polar, with asparagine, which is neutral and polar, at codon 265 of the KCNQ1 protein (p.Thr265Asn). This variant is not present in population databases (gnomAD no frequency). This missense change has been observed in individual(s) with clinical features of long QT syndrome (internal data). It has also been observed to segregate with disease in related individuals. ClinVar contains an entry for this variant (Variation ID: 1461432). Invitae Evidence Modeling of protein sequence and biophysical properties (such as structural, functional, and spatial information, amino acid conservation, physicochemical variation, residue mobility, and thermodynamic stability) indicates that this missense variant is expected to disrupt KCNQ1 protein function with a positive predictive value of 95%. This variant disrupts the p.Thr265 amino acid residue in KCNQ1. Other variant(s) that disrupt this residue have been observed in individuals with KCNQ1-related conditions (PMID: 16542208), which suggests that this may be a clinically significant amino acid residue. In summary, the currently available evidence indicates that the variant is pathogenic, but additional data are needed to prove that conclusively. Therefore, this variant has been classified as Likely Pathogenic.

Literature cited by the submitters: PubMed 16542208 (cited by Labcorp Genetics (formerly Invitae), Labcorp).

NM_000218.3(KCNQ1):c.794C>A (p.Thr265Asn)

Gene: KCNQ1 (potassium voltage-gated channel subfamily Q member 1; plus strand). Cytogenetic location: 11p15.5.
Variant type: single nucleotide variant.
Coding change: c.794C>A on transcript NM_000218.3 (MANE Select); coding-DNA position 794, C replaced by A.
Protein change: p.Thr265Asn; replaces threonine 265 with asparagine.
Molecular consequence: missense variant.
Genome position (GRCh38, 1-based): chr11:2,572,859, C>A. VCF-style: chr11-2572859-C-A. GRCh37 (hg19) VCF-style: chr11-2594089-C-A.
Other names: c.794C>A, p.Thr265Asn (NM_001406836.1); c.524C>A, p.Thr175Asn (NM_001406837.1); c.413C>A, p.Thr138Asn (NM_181798.2); short protein forms T265N, T138N, T175N.
Identifiers: ClinVar variation 1461432 (VCV001461432.12), dbSNP rs199472724, ClinGen allele CA379131296.